The following is an entry in ClinVar:

ClinVar aggregate classification (germline): Pathogenic. Review status: criteria provided, multiple submitters, no conflicts (2 of 4 stars). 9 submissions from 9 submitters: Pathogenic (8). 1 of the submissions does not count toward it. Last evaluated 2026-04-22.

Conditions:
PKD1-related disorder. Also called: PKD1-related condition.
Polycystic kidney disease. Also called: Kidney, Polycystic; Polycystic kidney dysplasia. Identifiers: MedGen C0022680, MeSH D007690, MONDO:0020642, HP:0000113.
Polycystic kidney disease, adult type (PKD1). Also called: POLYCYSTIC KIDNEY DISEASE 1 WITH OR WITHOUT POLYCYSTIC LIVER DISEASE; POLYCYSTIC KIDNEY DISEASE, ADULT, TYPE I; Polycystic Kidney Disease 1, Autosomal Dominant; Polycystic kidney disease 1; Polycystic kidney disease 1, severe; Polycystic Kidney, Autosomal Dominant. Identifiers: MedGen C3149841, MONDO:0008263, OMIM 173900.

Submissions (9):

PreventionGenetics, part of Exact Sciences
Classification: Pathogenic for PKD1-related condition. Last evaluated: 2026-04-22. Review status: criteria provided, single submitter. Criteria: ACMG Guidelines, 2015. Collection method: clinical testing. Allele origin: germline.
Comment: The PKD1 c.6199C>T variant is predicted to result in premature protein termination (p.Gln2067*). This variant has been reported in individuals with autosomal dominant polycystic kidney disease (ADPKD) (see for example, Table IA of Rossetti et al. 2007. PubMed ID: 17582161; He et al. 2018. PubMed ID: 30333007). This variant has not been reported in a large population database (gnomAD), indicating this variant is rare. Nonsense variants in PKD1 are expected to be pathogenic. This variant is interpreted as pathogenic.

GeneDx
Classification: Pathogenic. Last evaluated: 2025-04-22. Review status: criteria provided, single submitter. Criteria: GeneDx Variant Classification Process June 2021. Collection method: clinical testing. Allele origin: germline. Affected: yes.
Comment: Nonsense variant predicted to result in protein truncation or nonsense mediated decay in a gene for which loss of function is a known mechanism of disease; Not observed at significant frequency in large population cohorts (gnomAD); This variant is associated with the following publications: (PMID: 25525159, 30333007, 33454723, 31740684, 17582161, 31027891, 36938073, 37372416, 37509056)

Blueprint Genetics
Classification: Pathogenic for PKD1-related disorders. Last evaluated: 2022-05-17. Review status: criteria provided, single submitter. Criteria: ACMG Guidelines, 2015. Collection method: clinical testing. Allele origin: germline. Affected: yes. Observed: 2 variant alleles.

Fulgent Genetics
Classification: Pathogenic for Polycystic kidney disease, adult type. Last evaluated: 2022-02-10. Review status: criteria provided, single submitter. Criteria: ACMG Guidelines, 2015. Collection method: clinical testing. Allele origin: unknown.

Cavalleri Lab, Royal College of Surgeons in Ireland
Classification: Pathogenic for Polycystic kidney disease, adult type. Last evaluated: 2020-02-05. Review status: criteria provided, single submitter. Criteria: ACMG Guidelines, 2015. Collection method: research. Allele origin: unknown. Inheritance: Autosomal dominant inheritance. Affected: yes.
Comment: PVS1, PM2, PP4, PP5

Clinical Genetics Service, Universitary Hospital 12 de Octubre
Classification: Pathogenic for Polycystic kidney disease, adult type. Review status: criteria provided, single submitter. Criteria: ACMG Guidelines, 2015. Collection method: clinical testing. Allele origin: germline. Affected: yes.

Juno Genomics, Hangzhou Juno Genomics, Inc
Classification: Pathogenic for Polycystic kidney disease, adult type. Review status: criteria provided, single submitter. Criteria: ACMG Guidelines, 2015. Collection method: clinical testing. Allele origin: germline. Affected: yes.
Comment: Null variant in a gene where loss of function (LOF) is a known mechanism of disease.;Absent from controls (or at extremely low frequency if recessive) in Genome Aggregation Database, Exome Sequencing Project, 1000 Genomes Project, or Exome Aggregation Consortium.;The prevalence of the variant in affected individuals is significantly increased compared to the prevalence in controls.;Patient's phenotype or family history is highly specific for a disease with a single genetic etiology.

Kasturba Medical College, Manipal, Kasturba Medical College, Manipal, Manipal Academy of Higher Education, Manipal, India
Classification: Pathogenic for Polycystic kidney disease, adult type. Review status: criteria provided, single submitter. Criteria: ACMG Guidelines, 2015. Collection method: research. Allele origin: de novo. Inheritance: Autosomal dominant inheritance. Affected: yes. Observed: 1 heterozygote.
Comment: This variant is absent in homozygous and/or heterozygous state in the gnomAD (v4.1.0) population database and our in-house data of 3596 exomes. This variant is predicted to introduce a premature termination codon which may either trigger nonsense-mediated mRNA decay or result in a truncated protein product

Department of Pathology and Laboratory Medicine, Sinai Health System
Classification: Pathogenic for Polycystic Kidney disease. Review status: no assertion criteria provided. Collection method: clinical testing. Allele origin: unknown. Affected: yes. Study: The Canadian Open Genetics Repository (COGR). Not counted in ClinVar's aggregate classification.
Comment: The PKD1 p.Gln2067X variant was identified in 1 of 404 proband chromosomes (frequency: 0.002) from individuals or families with ADPKD (Rossetti 2007).The variant was identified in ADPKD Mutation Database (classification definitely pathogenic) and not identified in dbSNP, Clinvitae, ClinVar, GeneInsight COGR, PKD1-LOVD, and PKD1-LOVD 3.0; 1000 Genomes Project, NHLBI GO Exome Sequencing Project (ESP) or the Exome Aggregation Consortium (ExAC) database (Jan 13, 2015). The p.Gln2067X variant leads to a premature stop codon at position 2067, which is predicted to lead to a truncated or absent protein and loss of function. Loss of function variants of the PKD1 gene are an established mechanism of disease in autosomal dominant polycystic kidney disease and is the type of variant expected to cause the disorder. In summary, based on the above information, this variant meets our laboratoryâ€šÃ„Ã´s criteria to be classified as pathogenic.

Literature cited by the submitters: PubMed 30333007 (cited by Kasturba Medical College, Manipal, Kasturba Medical College, Manipal, Manipal Academy of Higher Education, Manipal, India).

NM_001009944.3(PKD1):c.6199C>T (p.Gln2067Ter)

Gene: PKD1 (polycystin 1, transient receptor potential channel interacting; minus strand). Cytogenetic location: 16p13.3.
Variant type: single nucleotide variant.
Coding change: c.6199C>T on transcript NM_001009944.3 (MANE Select); coding-DNA position 6199, C replaced by T.
Protein change: p.Gln2067Ter; replaces glutamine 2067 with a stop codon.
Molecular consequence: nonsense.
Genome position (GRCh38, 1-based): chr16:2,108,968, G>A on the plus strand (C>T on the coding strand, the complement: PKD1 is on the minus strand). VCF-style: chr16-2108968-G-A. GRCh37 (hg19) VCF-style: chr16-2158969-G-A.
Other names: c.6199C>T, p.Gln2067Ter (NM_000296.4); short protein forms Q2067*.
Identifiers: ClinVar variation 433970 (VCV000433970.15), dbSNP rs1555454604, ClinGen allele CA394374041.